The following is an entry in ClinVar:

NM_001039141.3(TRIOBP):c.64C>T (p.Arg22Cys)

Gene: TRIOBP (TRIO and F-actin binding protein; plus strand). Cytogenetic location: 22q13.1.
Variant type: single nucleotide variant.
Coding change: c.64C>T on transcript NM_001039141.3 (MANE Select); coding-DNA position 64, C replaced by T.
Protein change: p.Arg22Cys; replaces arginine 22 with cysteine.
Molecular consequence: missense variant.
Genome position (GRCh38, 1-based): chr22:37,701,429, C>T. VCF-style: chr22-37701429-C-T. GRCh37 (hg19) VCF-style: chr22-38097436-C-T.
Other names: short protein forms R22C.
Identifiers: ClinVar variation 504687 (VCV000504687.6), dbSNP rs374228600, ClinGen allele CA10223218.

ClinVar aggregate classification (germline): Uncertain significance. Review status: criteria provided, multiple submitters, no conflicts (2 of 4 stars). 2 submissions from 2 submitters: Uncertain significance (2). Last evaluated 2025-03-12.

Allele frequency attached by ClinVar (database versions not stated): gnomAD exomes 0.00002 and 0.00005; gnomAD 0.00003 and 0.00002; ESP Exome Variant Server 0.00008; ExAC 0.00006; TOPMed 0.00006.
gnomAD v4.1: 29 of 1,613,750 alleles (0.0018%); highest among the groups gnomAD compares: East Asian, 0.025%; 1 homozygote.

Submissions (2):

GeneDx
Classification: Uncertain significance. Last evaluated: 2025-03-12. Review status: criteria provided, single submitter. Criteria: GeneDx Variant Classification Process June 2021. Collection method: clinical testing. Allele origin: germline. Affected: yes.
Comment: In silico analysis indicates that this missense variant does not alter protein structure/function; Has not been previously published as pathogenic or benign to our knowledge

Laboratory for Molecular Medicine, Mass General Brigham Personalized Medicine
Classification: Uncertain significance. Last evaluated: 2017-11-22. Review status: criteria provided, single submitter. Criteria: LMM Criteria. Collection method: clinical testing. Allele origin: germline. Observed: 1 variant allele.
Comment: Variant classified as Uncertain Significance - Favor Benign. The p.Arg22Cys vari ant in TRIOBP has not been previously reported in individuals with hearing loss, but has been identified in 7/18836 East Asian chromosomes by the Genome Aggrega tion Database (gnomAD; dbSNP rs374228600). Alt hough this variant has been seen in the general population, its frequency is not high enough to rule out a pathogenic role. Computational prediction tools and c onservation analysis suggest that the p.Arg22Cys variant may not impact the prot ein, though this information is not predictive enough to rule out pathogenicity. In summary, while the clinical significance of the p.Arg22Cys variant is uncert ain, these data suggest that it is more likely to be benign. ACMG/AMP Criteria a pplied: BP4.